The following is an entry in ClinVar:

NM_001211.6(BUB1B):c.1532C>G (p.Ala511Gly)

Gene: BUB1B (BUB1 mitotic checkpoint serine/threonine kinase B; plus strand). Cytogenetic location: 15q15.1.
Variant type: single nucleotide variant.
Coding change: c.1532C>G on transcript NM_001211.6 (MANE Select); coding-DNA position 1532, C replaced by G.
Protein change: p.Ala511Gly; replaces alanine 511 with glycine.
Molecular consequence: missense variant.
Genome position (GRCh38, 1-based): chr15:40,200,945, C>G. VCF-style: chr15-40200945-C-G. GRCh37 (hg19) VCF-style: chr15-40493146-C-G.
Other names: short protein forms A511G.
Identifiers: ClinVar variation 1774651 (VCV001774651.2), dbSNP rs758067530, ClinGen allele CA391690709.

ClinVar aggregate classification (germline): Uncertain significance (1 of 4 stars; one submission).

Conditions:
Inborn genetic diseases. Identifiers: MedGen C0950123, MeSH D030342.

gnomAD v4.1: 2 of 1,613,216 alleles (0.00012%); highest among the groups gnomAD compares: Non-Finnish European, 0.000085%; no homozygotes.

Submission:

Ambry Genetics
Classification: Uncertain significance for Inborn genetic diseases. Last evaluated: 2022-10-20. Review status: criteria provided, single submitter. Criteria: Ambry Variant Classification Scheme 2023. Collection method: clinical testing. Allele origin: germline.
Comment: The p.A511G variant (also known as c.1532C>G), located in coding exon 12 of the BUB1B gene, results from a C to G substitution at nucleotide position 1532. The alanine at codon 511 is replaced by glycine, an amino acid with similar properties. This amino acid position is conserved. In addition, this alteration is predicted to be tolerated by in silico analysis. Since supporting evidence is limited at this time, the clinical significance of this alteration remains unclear.